The following is an entry in ClinVar:

NM_001903.5(CTNNA1):c.356T>G (p.Val119Gly)

Gene: CTNNA1 (catenin alpha 1; plus strand). Cytogenetic location: 5q31.2.
Variant type: single nucleotide variant.
Coding change: c.356T>G on transcript NM_001903.5 (MANE Select); coding-DNA position 356, T replaced by G.
Protein change: p.Val119Gly; replaces valine 119 with glycine.
Molecular consequence: missense variant. On other transcripts: intron variant (1).
Genome position (GRCh38, 1-based): chr5:138,810,092, T>G. VCF-style: chr5-138810092-T-G. GRCh37 (hg19) VCF-style: chr5-138145781-T-G.
Other names: c.356T>G, p.Val119Gly (NM_001290307.3, NM_001323982.2, NM_001323983.1 and 3 more transcripts); c.47T>G, p.Val16Gly (NM_001290309.3); c.-5-9T>G (NM_001290310.3); short protein forms V16G, V119G.
Identifiers: ClinVar variation 2496948 (VCV002496948.2), dbSNP rs2532329953, ClinGen allele CA361122980.

ClinVar aggregate classification (germline): Uncertain significance (1 of 4 stars; one submission).

Conditions:
Hereditary cancer-predisposing syndrome. Also called: Neoplastic Syndromes, Hereditary; Hereditary neoplastic syndrome; Tumor predisposition; Hereditary Cancer Syndrome. Identifiers: Orphanet 140162, MedGen C0027672, MeSH D009386, MONDO:0015356.

Submission:

Ambry Genetics
Classification: Uncertain significance for Hereditary cancer-predisposing syndrome. Last evaluated: 2023-02-24. Review status: criteria provided, single submitter. Criteria: Ambry Variant Classification Scheme 2023. Collection method: clinical testing. Allele origin: germline.
Comment: The p.V119G variant (also known as c.356T>G), located in coding exon 3 of the CTNNA1 gene, results from a T to G substitution at nucleotide position 356. The valine at codon 119 is replaced by glycine, an amino acid with dissimilar properties. This amino acid position is conserved. In addition, the in silico prediction for this alteration is inconclusive. Since supporting evidence is limited at this time, the clinical significance of this alteration remains unclear.